The following is an entry in ClinVar:

ClinVar aggregate classification (germline): Likely benign. Review status: criteria provided, single submitter (1 of 4 stars). 2 submissions from 2 submitters: Likely benign (1). 1 of the submissions does not count toward it. Last evaluated 2022-12-20.

Conditions:
Inborn genetic diseases. Identifiers: MedGen C0950123, MeSH D030342.
MED12L-related disorder. Also called: MED12L-related condition.

Allele frequency attached by ClinVar (database versions not stated): gnomAD 0.00004; ExAC 0.00008; TOPMed 0.00011; gnomAD exomes 0.00016; ESP Exome Variant Server 0.00023.
gnomAD v4.1: 251 of 1,613,786 alleles (0.016%); highest among the groups gnomAD compares: Non-Finnish European, 0.02%; no homozygotes.

Submissions (2):

Ambry Genetics
Classification: Likely benign for Inborn genetic diseases. Last evaluated: 2022-12-20. Review status: criteria provided, single submitter. Criteria: Ambry Variant Classification Scheme 2023. Collection method: clinical testing. Allele origin: germline.

PreventionGenetics, part of Exact Sciences
Classification: Likely benign for MED12L-related condition. Last evaluated: 2023-10-22. Review status: no assertion criteria provided. Collection method: clinical testing. Allele origin: germline. Not counted in ClinVar's aggregate classification.
Comment: This variant is classified as likely benign based on ACMG/AMP sequence variant interpretation guidelines (Richards et al. 2015 PMID: 25741868, with internal and published modifications).

NM_001393769.1(MED12L):c.5372A>G (p.Asp1791Gly)

Gene: MED12L (mediator complex subunit 12L; plus strand). Cytogenetic location: 3q25.1.
Variant type: single nucleotide variant.
Coding change: c.5372A>G on transcript NM_001393769.1 (MANE Select); coding-DNA position 5372, A replaced by G.
Protein change: p.Asp1791Gly; replaces aspartic acid 1791 with glycine.
Molecular consequence: missense variant.
Genome position (GRCh38, 1-based): chr3:151,388,093, A>G. VCF-style: chr3-151388093-A-G. GRCh37 (hg19) VCF-style: chr3-151105881-A-G.
Other names: c.5267A>G, p.Asp1756Gly (NM_053002.6); c.5267A>G (NM_053002.5); short protein forms D1756G, D1791G.
Identifiers: ClinVar variation 2370729 (VCV002370729.4), dbSNP rs138249004, ClinGen allele CA2668754.